The following is an entry in ClinVar:

ClinVar aggregate classification (germline): Uncertain significance (1 of 4 stars; one submission).

Conditions:
Myoclonic epilepsy, juvenile, susceptibility to, 1. Also called: Myoclonic Epilepsy, Juvenile, 1; EJM1. Identifiers: MedGen C1850778, MONDO:0020752, OMIM 254770.
Absence seizure. Also called: Absence epilepsy. Identifiers: Orphanet 1941, MedGen C0014553.

Submission:

Labcorp Genetics (formerly Invitae), Labcorp
Classification: Uncertain significance for Myoclonic epilepsy, juvenile, susceptibility to, 1; Absence seizure. Last evaluated: 2020-12-02. Review status: criteria provided, single submitter. Criteria: Invitae Variant Classification Sherloc (09022015). Collection method: clinical testing. Allele origin: germline.
Comment: This variant has not been reported in the literature in individuals with EFHC1-related conditions. In summary, the available evidence is currently insufficient to determine the role of this variant in disease. Therefore, it has been classified as a Variant of Uncertain Significance. Algorithms developed to predict the effect of missense changes on protein structure and function are either unavailable or do not agree on the potential impact of this missense change (SIFT: "Tolerated"; PolyPhen-2: "Probably Damaging"; Align-GVGD: "Class C0"). This variant is not present in population databases (ExAC no frequency). This sequence change replaces glycine with alanine at codon 464 of the EFHC1 protein (p.Gly464Ala). The glycine residue is highly conserved and there is a small physicochemical difference between glycine and alanine.

NM_018100.4(EFHC1):c.1391G>C (p.Gly464Ala)

Gene: EFHC1 (EF-hand domain containing 1; plus strand). Cytogenetic location: 6p12.2.
Variant type: single nucleotide variant.
Coding change: c.1391G>C on transcript NM_018100.4 (MANE Select); coding-DNA position 1391, G replaced by C.
Protein change: p.Gly464Ala; replaces glycine 464 with alanine.
Molecular consequence: missense variant. On other transcripts: non-coding transcript variant (1).
Genome position (GRCh38, 1-based): chr6:52,479,149, G>C. VCF-style: chr6-52479149-G-C. GRCh37 (hg19) VCF-style: chr6-52343947-G-C.
Other names: c.1334G>C, p.Gly445Ala (NM_001172420.2); short protein forms G445A, G464A.
Identifiers: ClinVar variation 1426877 (VCV001426877.8), dbSNP rs2114023582, ClinGen allele CA364457340.